The following is an entry in ClinVar:

NM_001211.6(BUB1B):c.1238A>G (p.Glu413Gly)

Gene: BUB1B (BUB1 mitotic checkpoint serine/threonine kinase B; plus strand). Cytogenetic location: 15q15.1.
Variant type: single nucleotide variant.
Coding change: c.1238A>G on transcript NM_001211.6 (MANE Select); coding-DNA position 1238, A replaced by G.
Protein change: p.Glu413Gly; replaces glutamic acid 413 with glycine.
Molecular consequence: missense variant.
Genome position (GRCh38, 1-based): chr15:40,196,724, A>G. VCF-style: chr15-40196724-A-G. GRCh37 (hg19) VCF-style: chr15-40488925-A-G.
Other names: short protein forms E413G.
Identifiers: ClinVar variation 3483207 (VCV003483207.1).

ClinVar aggregate classification (germline): Uncertain significance (1 of 4 stars; one submission).

Conditions:
Inborn genetic diseases. Identifiers: MedGen C0950123, MeSH D030342.

gnomAD v4.1: 1 of 1,614,104 alleles (0.000062%); highest among the groups gnomAD compares: Non-Finnish European, 0.000085%; no homozygotes.

Submission:

Ambry Genetics
Classification: Uncertain significance for Inborn genetic diseases. Last evaluated: 2024-09-26. Review status: criteria provided, single submitter. Criteria: Ambry Variant Classification Scheme 2023. Collection method: clinical testing. Allele origin: germline.
Comment: The p.E413G variant (also known as c.1238A>G), located in coding exon 9 of the BUB1B gene, results from an A to G substitution at nucleotide position 1238. The glutamic acid at codon 413 is replaced by glycine, an amino acid with similar properties. This amino acid position is conserved. In addition, this alteration is predicted to be deleterious by in silico analysis. Based on the available evidence, the clinical significance of this variant remains unclear.